The following is an entry in ClinVar:

NM_000059.4(BRCA2):c.6595del (p.Thr2199fs)

Gene: BRCA2 (BRCA2 DNA repair associated; plus strand). Cytogenetic location: 13q13.1.
Variant type: Deletion.
Coding change: c.6595del on transcript NM_000059.4 (MANE Select); coding-DNA position 6595, one base deleted (A; older notation c.6595delA).
Protein change: p.Thr2199fs; shifts the reading frame from threonine 2199.
Molecular consequence: frameshift variant. On other transcripts: non-coding transcript variant (1), intron variant (2).
Genome position (GRCh38, 1-based): chr13:32,340,950, A deleted; the last of 3 consecutive A bases (chr13:32,340,948-32,340,950); deleting any one gives the same sequence. VCF-style (leftmost placement, unchanged base first): chr13-32340947-GA-G. GRCh37 (hg19) VCF-style: chr13-32915084-GA-G.
Other names: c.6595del, p.Thr2199fs (NM_001406719.1, NM_001406720.1, NM_001432077.1); c.1910-3608del (NM_001406721.1); c.425-3608del (NM_001406722.1); short protein forms T2199fs.
Identifiers: ClinVar variation 4867892 (VCV004867892.1).

ClinVar aggregate classification (germline): Pathogenic (1 of 4 stars; one submission).

Conditions:
Hereditary cancer-predisposing syndrome. Also called: Neoplastic Syndromes, Hereditary; Tumor predisposition; Hereditary Cancer Syndrome; Hereditary neoplastic syndrome. Identifiers: Orphanet 140162, MedGen C0027672, MeSH D009386, MONDO:0015356.

Submission:

Ambry Genetics
Classification: Pathogenic for Hereditary cancer-predisposing syndrome. Last evaluated: 2026-06-10. Review status: criteria provided, single submitter. Criteria: Ambry Variant Classification Scheme 2023. Collection method: clinical testing. Allele origin: germline.
Comment: The c.6595delA pathogenic mutation, located in coding exon 10 of the BRCA2 gene, results from a deletion of one nucleotide at nucleotide position 6595, causing a translational frameshift with a predicted alternate stop codon (p.T2199Lfs*7). This variant is considered to be rare based on population cohorts in the Genome Aggregation Database (gnomAD). This alteration is expected to result in loss of function by premature protein truncation or nonsense-mediated mRNA decay. As such, this alteration is interpreted as a disease-causing mutation.